The following is an entry in ClinVar:

ClinVar aggregate classification (germline): Benign/Likely benign. Review status: criteria provided, multiple submitters, no conflicts (2 of 4 stars). 3 submissions from 3 submitters: Benign (1); Likely benign (2). Last evaluated 2026-06-16.

Conditions:
Melnick-Fraser syndrome (BOR). Also called: Branchiootorenal Syndrome (BORS); Branchio-oto-renal syndrome; Branchiootorenal syndrome. Identifiers: Orphanet 107, MedGen C0265234, MONDO:0007029.
EYA1-related disorder. Also called: EYA1-related condition.

Allele frequency attached by ClinVar (database versions not stated): gnomAD exomes 0.00002; TOPMed 0.00004; gnomAD 0.00005; ExAC 0.00017.
gnomAD v4.1: 39 of 1,613,146 alleles (0.0024%); highest among the groups gnomAD compares: East Asian, 0.08%; no homozygotes.

Submissions (3):

PreventionGenetics, part of Exact Sciences
Classification: Likely benign for EYA1-related condition. Last evaluated: 2026-06-16. Review status: criteria provided, single submitter. Criteria: ACMG Guidelines, 2015. Collection method: clinical testing. Allele origin: germline.
Comment: This variant is classified as likely benign based on ACMG/AMP sequence variant interpretation guidelines (Richards et al. 2015 PMID: 25741868, with internal and published modifications).

Blueprint Genetics
Classification: Likely benign. Last evaluated: 2024-08-09. Review status: criteria provided, single submitter. Criteria: ACMG Guidelines, 2015. Collection method: clinical testing. Allele origin: germline.

Labcorp Genetics (formerly Invitae), Labcorp
Classification: Benign for Melnick-Fraser syndrome. Last evaluated: 2022-04-17. Review status: criteria provided, single submitter. Criteria: Invitae Variant Classification Sherloc (09022015). Collection method: clinical testing. Allele origin: germline.

NM_000503.6(EYA1):c.147C>T (p.Ser49=)

Gene: EYA1 (EYA transcriptional coactivator and phosphatase 1; minus strand). Cytogenetic location: 8q13.3.
Variant type: single nucleotide variant.
Coding change: c.147C>T on transcript NM_000503.6 (MANE Select); coding-DNA position 147, C replaced by T.
Protein change: p.Ser49=; no amino-acid change (serine 49 retained).
Molecular consequence: synonymous variant. On other transcripts: 5 prime UTR variant (1).
Genome position (GRCh38, 1-based): chr8:71,334,152, G>A on the plus strand (C>T on the coding strand, the complement: EYA1 is on the minus strand). VCF-style: chr8-71334152-G-A. GRCh37 (hg19) VCF-style: chr8-72246387-G-A.
Other names: c.147C>T, p.Ser49= (NM_001288574.2, NM_001370334.1, NM_001370335.1 and 1 more transcripts); c.-138C>T (NM_001288575.2); c.234C>T, p.Ser78= (NM_001370333.1, NM_001370336.1, NM_172059.5); c.48C>T, p.Ser16= (NM_001411797.1, NM_172060.4); c.147C>T (NM_172058.3).
Identifiers: ClinVar variation 2197800 (VCV002197800.6), dbSNP rs771141271, ClinGen allele CA4779876.
Genomic context (GRCh38, chr8:71,334,152, plus strand): 5'-CTTACCTGAACCTGAGAAATTGTTTAAAGACCCGTCGGCTGTCGTTGAAGCTGTTTCACT[G>A]CTGCTCATTGGCTCTGTTTTAACTACAAAAATAAACAACATACATCGATATTGAATTAAT-3'
Protein context (NP_000494.2, residues 39-59): GTEVKTEPMS[Ser49=]SETASTTADG